The following is an entry in ClinVar:

ClinVar aggregate classification (germline): Uncertain significance (1 of 4 stars; one submission).

Conditions:
PURA-related severe neonatal hypotonia-seizures-encephalopathy syndrome (NEDRIHF). Also called: NEURODEVELOPMENTAL DISORDER WITH NEONATAL RESPIRATORY INSUFFICIENCY, HYPOTONIA, AND FEEDING DIFFICULTIES; PURA-Related Neurodevelopmental Disorders. Identifiers: Orphanet 438213, Orphanet 438216, MedGen C4015357, MONDO:1060108, OMIM 616158, MONDO:0018580.

Submission:

Labcorp Genetics (formerly Invitae), Labcorp
Classification: Uncertain significance for PURA-related severe neonatal hypotonia-seizures-encephalopathy syndrome. Last evaluated: 2024-10-15. Review status: criteria provided, single submitter. Criteria: Invitae Variant Classification Sherloc (09022015). Collection method: clinical testing. Allele origin: germline.
Comment: This variant, c.114_137dup, results in the insertion of 8 amino acid(s) of the PURA protein (p.Gly42_Gly49dup), but otherwise preserves the integrity of the reading frame. The frequency data for this variant in the population databases is considered unreliable, as metrics indicate insufficient coverage at this position in the gnomAD database. This variant has not been reported in the literature in individuals affected with PURA-related conditions. In summary, the available evidence is currently insufficient to determine the role of this variant in disease. Therefore, it has been classified as a Variant of Uncertain Significance.

NM_005859.5(PURA):c.114_137dup (p.Gly49_Ala50insGlySerGlyGlyGlyGlyGlyGly)

Gene: PURA (purine rich element binding protein A; plus strand). Cytogenetic location: 5q31.3.
Variant type: Duplication.
Coding change: c.114_137dup on transcript NM_005859.5 (MANE Select); coding-DNA positions 114 to 137, 24 bases duplicated (GGGCGGCGGCGGCAGTGGCGGCGG).
Protein change: p.Gly49_Ala50insGlySerGlyGlyGlyGlyGlyGly.
Genome position (GRCh38, 1-based): chr5:140,114,295-140,114,318, GGGCGGCGGCGGCAGTGGCGGCGG duplicated; duplicating any 24 consecutive bases within chr5:140,114,285-140,114,318 gives the same sequence; the c. name uses the placement nearest the transcript's 3' end. VCF-style (leftmost placement, unchanged base first): chr5-140114284-G-GGTGGCGGCGGGGGCGGCGGCGGCA. GRCh37 (hg19) VCF-style: chr5-139493869-G-GGTGGCGGCGGGGGCGGCGGCGGCA.
Identifiers: ClinVar variation 3722923 (VCV003722923.2).
Genomic context (GRCh38, chr5:140,114,284, plus strand): 5'-CTGGGTTCGGGCGGCTCCCTGGGGCACCCCGGCTCGGGCTCAGGCTCCGGCGGGGGCGGT[G>GGTGGCGGCGGGGGCGGCGGCGGCA]GTGGCGGCGGGGGCGGCGGCGGCAGTGGCGGCGGCGGCGGCGGGGCCCCAGGGGGGCTGC-3'